The following is an entry in ClinVar:

NM_005219.5(DIAPH1):c.2696C>T (p.Pro899Leu)

Gene: DIAPH1 (diaphanous related formin 1; minus strand). Cytogenetic location: 5q31.3.
Variant type: single nucleotide variant.
Coding change: c.2696C>T on transcript NM_005219.5 (MANE Select); coding-DNA position 2696, C replaced by T.
Protein change: p.Pro899Leu; replaces proline 899 with leucine.
Molecular consequence: missense variant.
Genome position (GRCh38, 1-based): chr5:141,529,254, G>A on the plus strand (C>T on the coding strand, the complement: DIAPH1 is on the minus strand). VCF-style: chr5-141529254-G-A. GRCh37 (hg19) VCF-style: chr5-140908821-G-A.
Other names: c.2669C>T, p.Pro890Leu (NM_001079812.3); c.2696C>T, p.Pro899Leu (NM_001314007.2); short protein forms P890L, P899L.
Identifiers: ClinVar variation 3755167 (VCV003755167.2).
Genomic context (GRCh38, chr5:141,529,254, plus strand): 5'-TCAGCCAGGTCATCATATTCATCCTTCAGTTCAGAAAGCATTTTTAACTGCTCTGGCTCT[G>A]GCATTTGCTTAATGAGGTTCTGAAAGACAGAAGAGACATCTCAGCTGGAGGGGAATTCGC-3'
Protein context (NP_005210.3, residues 889-909): SMIQNLIKQM[Pro899Leu]EPEQLKMLSE

ClinVar aggregate classification (germline): Uncertain significance (1 of 4 stars; one submission).

Conditions:
Autosomal dominant nonsyndromic hearing loss 1. Also called: KONIGSMARK SYNDROME; DEAFNESS, AUTOSOMAL DOMINANT 1, WITH OR WITHOUT THROMBOCYTOPENIA. Identifiers: Orphanet 90635, MedGen C1852282, MONDO:0007424, OMIM 124900.
Progressive microcephaly-seizures-cortical blindness-developmental delay syndrome. Also called: Seizures, cortical blindness, and microcephaly syndrome. Identifiers: Orphanet 477814, MedGen C5567650, MONDO:0014714, OMIM 616632.

Submission:

Labcorp Genetics (formerly Invitae), Labcorp
Classification: Uncertain significance for Progressive microcephaly-seizures-cortical blindness-developmental delay syndrome; Autosomal dominant nonsyndromic hearing loss 1. Last evaluated: 2024-04-22. Review status: criteria provided, single submitter. Criteria: Invitae Variant Classification Sherloc (09022015). Collection method: clinical testing. Allele origin: germline.
Comment: This sequence change replaces proline, which is neutral and non-polar, with leucine, which is neutral and non-polar, at codon 899 of the DIAPH1 protein (p.Pro899Leu). This variant is not present in population databases (gnomAD no frequency). This variant has not been reported in the literature in individuals affected with DIAPH1-related conditions. An algorithm developed to predict the effect of missense changes on protein structure and function (PolyPhen-2) suggests that this variant is likely to be disruptive. In summary, the available evidence is currently insufficient to determine the role of this variant in disease. Therefore, it has been classified as a Variant of Uncertain Significance.